The following is an entry in ClinVar:

ClinVar aggregate classification (germline): Uncertain significance. Review status: criteria provided, multiple submitters, no conflicts (2 of 4 stars). 2 submissions from 2 submitters: Uncertain significance (2). Last evaluated 2025-12-17.

Allele frequency attached by ClinVar (database versions not stated): TOPMed below 0.00001.
gnomAD v4.1: 1 of 1,614,086 alleles (0.000062%); no homozygotes.

Submissions (2):

Greenwood Genetic Center Diagnostic Laboratories, Greenwood Genetic Center
Classification: Uncertain significance. Last evaluated: 2025-12-17. Review status: criteria provided, single submitter. Criteria: ACMG Guidelines, 2015. Collection method: clinical testing. Allele origin: germline. Affected: yes.
Comment: PM2, PP2, PP3

GeneDx
Classification: Uncertain significance. Last evaluated: 2022-09-18. Review status: criteria provided, single submitter. Criteria: GeneDx Variant Classification Process June 2021. Collection method: clinical testing. Allele origin: germline. Affected: yes.
Comment: Not observed at significant frequency in large population cohorts (gnomAD); In silico analysis supports that this missense variant has a deleterious effect on protein structure/function; Has not been previously published as pathogenic or benign to our knowledge

NM_183357.3(ADCY5):c.3277G>A (p.Gly1093Ser)

Gene: ADCY5 (adenylate cyclase 5; minus strand). Cytogenetic location: 3q21.1.
Variant type: single nucleotide variant.
Coding change: c.3277G>A on transcript NM_183357.3 (MANE Select); coding-DNA position 3277, G replaced by A.
Protein change: p.Gly1093Ser; replaces glycine 1093 with serine.
Molecular consequence: missense variant.
Genome position (GRCh38, 1-based): chr3:123,291,163, C>T on the plus strand (G>A on the coding strand, the complement: ADCY5 is on the minus strand). VCF-style: chr3-123291163-C-T. GRCh37 (hg19) VCF-style: chr3-123010010-C-T.
Other names: c.2227G>A, p.Gly743Ser (NM_001199642.1); c.3352G>A, p.Gly1118Ser (NM_001378259.1); short protein forms G1093S, G1118S, G743S.
Identifiers: ClinVar variation 2444797 (VCV002444797.2), dbSNP rs1939121721, ClinGen allele CA354223425.